The following is an entry in ClinVar:

NM_001162498.3(LPAR6):c.42C>T (p.Ser14=)

Genes: LPAR6 (lysophosphatidic acid receptor 6; minus strand), RB1 (RB transcriptional corepressor 1; plus strand). Cytogenetic location: 13q14.2.
Variant type: single nucleotide variant.
Coding change: c.42C>T on transcript NM_001162498.3 (MANE Select); coding-DNA position 42, C replaced by T.
Protein change: p.Ser14=; no amino-acid change (serine 14 retained).
Molecular consequence: synonymous variant. On other transcripts: intron variant (2).
Genome position (GRCh38, 1-based): chr13:48,412,382, G>A on the plus strand (C>T on the coding strand, the complement: LPAR6 is on the minus strand). VCF-style: chr13-48412382-G-A. GRCh37 (hg19) VCF-style: chr13-48986518-G-A.
Other names: c.42C>T, p.Ser14= (NM_001162497.3, NM_001377316.2, NM_001377317.2 and 1 more transcripts); c.1695+30939G>A (NM_001407165.1, NM_000321.3).
Identifiers: ClinVar variation 3388202 (VCV003388202.15).

ClinVar aggregate classification (germline): Likely benign. Review status: criteria provided, multiple submitters, no conflicts (2 of 4 stars). 2 submissions from 2 submitters: Likely benign (2). Last evaluated 2025-12-03.

gnomAD v4.1: 153 of 1,614,018 alleles (0.0095%); highest among the groups gnomAD compares: Middle Eastern, 0.17%; 1 homozygote.

Submissions (2):

Labcorp Genetics (formerly Invitae), Labcorp
Classification: Likely benign. Last evaluated: 2025-12-03. Review status: criteria provided, single submitter. Criteria: Invitae Variant Classification Sherloc (09022015). Collection method: clinical testing. Allele origin: germline.

CeGaT Center for Human Genetics Tuebingen
Classification: Likely benign. Last evaluated: 2024-10-01. Review status: criteria provided, single submitter. Criteria: CeGaT Center For Human Genetics Tuebingen Variant Classification Criteria Version 2. Collection method: clinical testing. Allele origin: germline. Affected: yes. Observed: 1 variant allele.
Comment: LPAR6: BP4